The following is an entry in ClinVar:

NM_005909.5(MAP1B):c.1854C>T (p.Ala618=)

Gene: MAP1B (microtubule associated protein 1B; plus strand). Cytogenetic location: 5q13.2.
Variant type: single nucleotide variant.
Coding change: c.1854C>T on transcript NM_005909.5 (MANE Select); coding-DNA position 1854, C replaced by T.
Protein change: p.Ala618=; no amino-acid change (alanine 618 retained).
Molecular consequence: synonymous variant.
Genome position (GRCh38, 1-based): chr5:72,195,209, C>T. VCF-style: chr5-72195209-C-T. GRCh37 (hg19) VCF-style: chr5-71491036-C-T.
Other names: c.1476C>T, p.Ala492= (NM_001324255.2).
Identifiers: ClinVar variation 3341707 (VCV003341707.16).

ClinVar aggregate classification (germline): Likely benign (1 of 4 stars; one submission).

gnomAD v4.1: 66 of 1,613,536 alleles (0.0041%); highest among the groups gnomAD compares: Admixed American, 0.01%; 1 homozygote.

Submission:

CeGaT Center for Human Genetics Tuebingen
Classification: Likely benign. Last evaluated: 2024-08-01. Review status: criteria provided, single submitter. Criteria: CeGaT Center For Human Genetics Tuebingen Variant Classification Criteria Version 2. Collection method: clinical testing. Allele origin: germline. Affected: yes. Observed: 1 variant allele.
Comment: MAP1B: BP4, BP7